The following is an entry in ClinVar:

NM_001365999.1(SZT2):c.7609+3G>A

Gene: SZT2 (SZT2 subunit of KICSTOR complex; plus strand). Cytogenetic location: 1p34.2.
Variant type: single nucleotide variant.
Coding change: c.7609+3G>A on transcript NM_001365999.1 (MANE Select); 3 bases into the intron after coding-DNA position 7609, G replaced by A.
Molecular consequence: intron variant.
Genome position (GRCh38, 1-based): chr1:43,441,604, G>A. VCF-style: chr1-43441604-G-A. GRCh37 (hg19) VCF-style: chr1-43907275-G-A.
Other names: c.7438+3G>A (NM_015284.4).
Identifiers: ClinVar variation 1492113 (VCV001492113.6), dbSNP rs2153935750, ClinGen allele CA2573132384.

ClinVar aggregate classification (germline): Uncertain significance (1 of 4 stars; one submission).

Submission:

Labcorp Genetics (formerly Invitae), Labcorp
Classification: Uncertain significance. Last evaluated: 2021-12-02. Review status: criteria provided, single submitter. Criteria: Invitae Variant Classification Sherloc (09022015). Collection method: clinical testing. Allele origin: germline.
Comment: In summary, the available evidence is currently insufficient to determine the role of this variant in disease. Therefore, it has been classified as a Variant of Uncertain Significance. Variants that disrupt the consensus splice site are a relatively common cause of aberrant splicing (PMID: 17576681, 9536098). Algorithms developed to predict the effect of sequence changes on RNA splicing suggest that this variant is not likely to affect RNA splicing. This variant has not been reported in the literature in individuals affected with SZT2-related conditions. This variant is not present in population databases (gnomAD no frequency). This sequence change falls in intron 53 of the SZT2 gene. It does not directly change the encoded amino acid sequence of the SZT2 protein. It affects a nucleotide within the consensus splice site.

Literature cited by the submitters: PubMed 17576681; PubMed 9536098.